The following is an entry in ClinVar:

ClinVar aggregate classification (germline): Benign/Likely benign. Review status: criteria provided, multiple submitters, no conflicts (2 of 4 stars). 18 submissions from 18 submitters: Benign (11); Likely benign (1). 6 of the submissions do not count toward it. Last evaluated 2026-02-03.

Conditions:
Breast and/or ovarian cancer. Identifiers: MedGen CN221562.
Hereditary cancer-predisposing syndrome. Also called: Neoplastic Syndromes, Hereditary; Hereditary Cancer Syndrome; Tumor predisposition; Hereditary neoplastic syndrome. Identifiers: Orphanet 140162, MedGen C0027672, MeSH D009386, MONDO:0015356.
Hereditary breast ovarian cancer syndrome. Also called: BRCA1- and BRCA2-Associated Hereditary Breast and Ovarian Cancer; Hereditary breast and ovarian cancer syndrome; Hereditary breast and ovarian cancer syndrome (HBOC); Hereditary breast and/or ovarian cancer syndrome; Hereditary breast and ovarian cancer; Breast and ovarian cancer. Identifiers: Orphanet 145, MedGen C0677776, MeSH D061325, MONDO:0003582. Disease mechanism: loss of function.
Familial cancer of breast. Also called: BREAST CANCER, FAMILIAL; hereditary breast carcinoma; Hereditary breast cancer. Identifiers: Orphanet 227535, MedGen C0346153, MONDO:0016419, OMIM 114480. Disease mechanism: loss of function.
Ataxia-telangiectasia syndrome (AT). Also called: Ataxia-telangiectasia, complementation group D; AT, COMPLEMENTATION GROUP C; Ataxia-telangiectasia; ATAXIA-TELANGIECTASIA, COMPLEMENTATION GROUP A; ATAXIA-TELANGIECTASIA, FRESNO VARIANT; Ataxia-telangiectasia, complementation group E. Identifiers: Orphanet 100, MedGen C0004135, MONDO:0008840, OMIM 208900.

Allele frequency attached by ClinVar (database versions not stated): gnomAD exomes 0.00072 and 0.00189; 1000 Genomes Project 30x 0.00765; gnomAD 0.00824 and 0.00763; 1000 Genomes Project 0.00699; ESP Exome Variant Server 0.00872; TOPMed 0.00902; ExAC 0.00238.
gnomAD v4.1: 2,214 of 1,532,168 alleles (0.14%); highest among the groups gnomAD compares: African/African-American, 2.6%; 27 homozygotes.

Submissions (18):

Labcorp Genetics (formerly Invitae), Labcorp
Classification: Benign for Ataxia-telangiectasia syndrome. Last evaluated: 2026-02-03. Review status: criteria provided, single submitter. Criteria: Invitae Variant Classification Sherloc (09022015). Collection method: clinical testing. Allele origin: germline.

ARUP Laboratories, Molecular Genetics and Genomics, ARUP Laboratories
Classification: Benign. Last evaluated: 2025-05-27. Review status: criteria provided, single submitter. Criteria: ARUP Molecular Germline Variant Investigation Process 2024. Collection method: clinical testing. Allele origin: germline.

Center for Genomic Medicine, Rigshospitalet, Copenhagen University Hospital
Classification: Benign. Last evaluated: 2025-03-04. Review status: criteria provided, single submitter. Criteria: ACMG Guidelines, 2015. Collection method: clinical testing. Allele origin: germline.

KCCC/NGS Laboratory, Kuwait Cancer Control Center
Classification: Benign for Familial cancer of breast. Last evaluated: 2025-02-01. Review status: criteria provided, single submitter. Criteria: ACMG Guidelines, 2015. Collection method: clinical testing. Allele origin: germline. Affected: no.

Myriad Genetics, Inc.
Classification: Benign for Familial cancer of breast. Last evaluated: 2024-06-19. Review status: criteria provided, single submitter. Criteria: Myriad Autosomal Dominant, Autosomal Recessive and X-Linked Classification Criteria (2023). Collection method: clinical testing. Allele origin: unknown.
Comment: This variant is considered benign. This variant is intronic and is not expected to impact mRNA splicing. This variant is strongly associated with less severe personal and family histories of cancer, typical for individuals without pathogenic variants in this gene [PMID: 25085752]. This variant has been observed at a population frequency that is significantly greater than expected given the associated disease prevalence and penetrance.

National Health Laboratory Service, Universitas Academic Hospital and University of the Free State
Classification: Benign for Hereditary breast ovarian cancer syndrome. Last evaluated: 2022-04-19. Review status: criteria provided, single submitter. Criteria: ACMG Guidelines, 2015. Collection method: clinical testing. Allele origin: germline. Affected: yes. Observed: 2 variant alleles.

CHEO Genetics Diagnostic Laboratory, Children's Hospital of Eastern Ontario
Classification: Benign for Breast and/or ovarian cancer. Last evaluated: 2021-07-02. Review status: criteria provided, single submitter. Criteria: ACMG Guidelines, 2015. Collection method: clinical testing. Allele origin: germline.

PreventionGenetics, part of Exact Sciences
Classification: Benign. Last evaluated: 2017-06-21. Review status: criteria provided, single submitter. Criteria: ACMG Guidelines, 2015. Collection method: clinical testing. Allele origin: germline.

Institute for Biomarker Research, Medical Diagnostic Laboratories, L.L.C.
Classification: Likely benign for Hereditary cancer-predisposing syndrome. Last evaluated: 2017-02-14. Review status: criteria provided, single submitter. Criteria: ACMG Guidelines, 2015. Collection method: clinical testing. Allele origin: germline.

Ambry Genetics
Classification: Benign for Hereditary cancer-predisposing syndrome. Last evaluated: 2015-11-17. Review status: criteria provided, single submitter. Criteria: Ambry Variant Classification Scheme 2023. Collection method: clinical testing. Allele origin: germline.

Color Diagnostics, LLC DBA Color Health
Classification: Benign for Hereditary cancer-predisposing syndrome. Last evaluated: 2015-05-18. Review status: criteria provided, single submitter. Criteria: ACMG Guidelines, 2015. Collection method: clinical testing. Allele origin: germline.

GeneDx
Classification: Benign. Last evaluated: 2015-03-03. Review status: criteria provided, single submitter. Criteria: GeneDx Variant Classification Process June 2021. Collection method: clinical testing. Allele origin: germline. Affected: yes.

Counsyl
Classification: Benign for Ataxia-telangiectasia syndrome. Last evaluated: 2018-01-19. Review status: no assertion criteria provided. Collection method: clinical testing. Allele origin: unknown. Not counted in ClinVar's aggregate classification.

University of Washington Department of Laboratory Medicine, University of Washington
Classification: Likely benign for Hereditary cancer-predisposing syndrome. Last evaluated: 2015-12-01. Review status: no assertion criteria provided. Collection method: clinical testing. Allele origin: germline. Affected: yes. Not counted in ClinVar's aggregate classification.

Clinical Genetics Laboratory, Department of Pathology, Netherlands Cancer Institute
Classification: Likely benign. Review status: no assertion criteria provided. Collection method: clinical testing. Allele origin: germline. Affected: yes. Study: VKGL Data-share Consensus. Not counted in ClinVar's aggregate classification.

Genome Diagnostics Laboratory, University Medical Center Utrecht
Classification: Benign. Review status: no assertion criteria provided. Collection method: clinical testing. Allele origin: germline. Affected: yes. Study: VKGL Data-share Consensus. Not counted in ClinVar's aggregate classification.

Joint Genome Diagnostic Labs from Nijmegen and Maastricht, Radboudumc and MUMC+
Classification: Benign. Review status: no assertion criteria provided. Collection method: clinical testing. Allele origin: germline. Affected: yes. Study: VKGL Data-share Consensus. Not counted in ClinVar's aggregate classification.

Laboratory of Diagnostic Genome Analysis, Leiden University Medical Center (LUMC)
Classification: Benign. Review status: no assertion criteria provided. Collection method: clinical testing. Allele origin: germline. Affected: yes. Study: VKGL Data-share Consensus. Not counted in ClinVar's aggregate classification.

Literature cited by the submitters: PubMed 25085752 (cited by Myriad Genetics, Inc.); PubMed 23322442 (cited by Counsyl).

NM_000051.4(ATM):c.8419-19A>G

Genes: ATM (ATM serine/threonine kinase; plus strand), C11orf65 (chromosome 11 open reading frame 65; minus strand). Cytogenetic location: 11q22.3.
Variant type: single nucleotide variant.
Coding change: c.8419-19A>G on transcript NM_000051.4 (MANE Select); 19 bases into the intron before coding-DNA position 8419, A replaced by G.
Molecular consequence: intron variant.
Genome position (GRCh38, 1-based): chr11:108,345,724, A>G. VCF-style: chr11-108345724-A-G. GRCh37 (hg19) VCF-style: chr11-108216451-A-G.
Other names: c.8419-19A>G (NM_001351834.2); c.641-36653T>C (NM_001330368.2); c.695-10432T>C (NM_001351110.2).
Identifiers: ClinVar variation 140769 (VCV000140769.37), dbSNP rs12279930, ClinGen allele CA163523.